The following is an entry in ClinVar:

ClinVar aggregate classification (germline): Uncertain significance (1 of 4 stars; one submission).

Conditions:
Congenital disorder of glycosylation, type Iaa. Also called: Congenital disorder of glycosylation, type 1aa. Identifiers: MedGen C4310727, MONDO:0014904, OMIM 617082.

Submission:

Labcorp Genetics (formerly Invitae), Labcorp
Classification: Uncertain significance for Congenital disorder of glycosylation, type Iaa. Last evaluated: 2024-06-03. Review status: criteria provided, single submitter. Criteria: Invitae Variant Classification Sherloc (09022015). Collection method: clinical testing. Allele origin: germline.
Comment: This sequence change replaces serine, which is neutral and polar, with arginine, which is basic and polar, at codon 228 of the NUS1 protein (p.Ser228Arg). This variant is not present in population databases (gnomAD no frequency). This variant has not been reported in the literature in individuals affected with NUS1-related conditions. An algorithm developed to predict the effect of missense changes on protein structure and function (PolyPhen-2) suggests that this variant is likely to be tolerated. In summary, the available evidence is currently insufficient to determine the role of this variant in disease. Therefore, it has been classified as a Variant of Uncertain Significance.

NM_138459.5(NUS1):c.684T>A (p.Ser228Arg)

Gene: NUS1 (NUS1 dehydrodolichyl diphosphate synthase subunit; plus strand). Cytogenetic location: 6q22.1.
Variant type: single nucleotide variant.
Coding change: c.684T>A on transcript NM_138459.5 (MANE Select); coding-DNA position 684, T replaced by A.
Protein change: p.Ser228Arg; replaces serine 228 with arginine.
Molecular consequence: missense variant.
Genome position (GRCh38, 1-based): chr6:117,694,173, T>A. VCF-style: chr6-117694173-T-A. GRCh37 (hg19) VCF-style: chr6-118015336-T-A.
Other names: short protein forms S228R.
Identifiers: ClinVar variation 2848273 (VCV002848273.3), dbSNP rs2482016239, ClinGen allele CA365537213.